The following is an entry in ClinVar:

ClinVar aggregate classification (germline): Uncertain significance (1 of 4 stars; one submission).

Allele frequency attached by ClinVar (database versions not stated): ExAC 0.00003; TOPMed 0.00003; gnomAD exomes 0.00004 and 0.00010; gnomAD 0.00006; ESP Exome Variant Server 0.00008.
gnomAD v4.1: 155 of 1,614,116 alleles (0.0096%); highest among the groups gnomAD compares: Non-Finnish European, 0.012%; no homozygotes.

Submission:

Labcorp Genetics (formerly Invitae), Labcorp
Classification: Uncertain significance. Last evaluated: 2025-08-04. Review status: criteria provided, single submitter. Criteria: Invitae Variant Classification Sherloc (09022015). Collection method: clinical testing. Allele origin: germline.
Comment: This sequence change replaces serine, which is neutral and polar, with leucine, which is neutral and non-polar, at codon 512 of the JAK1 protein (p.Ser512Leu). This variant is present in population databases (rs368776025, gnomAD 0.009%). This variant has not been reported in the literature in individuals affected with JAK1-related conditions. ClinVar contains an entry for this variant (Variation ID: 1434133). An algorithm developed to predict the effect of missense changes on protein structure and function (PolyPhen-2) suggests that this variant is likely to be tolerated. In summary, the available evidence is currently insufficient to determine the role of this variant in disease. Therefore, it has been classified as a Variant of Uncertain Significance.

NM_002227.4(JAK1):c.1535C>T (p.Ser512Leu)

Gene: JAK1 (Janus kinase 1; minus strand). Cytogenetic location: 1p31.3.
Variant type: single nucleotide variant.
Coding change: c.1535C>T on transcript NM_002227.4 (MANE Select); coding-DNA position 1535, C replaced by T.
Protein change: p.Ser512Leu; replaces serine 512 with leucine.
Molecular consequence: missense variant.
Genome position (GRCh38, 1-based): chr1:64,855,622, G>A on the plus strand (C>T on the coding strand, the complement: JAK1 is on the minus strand). VCF-style: chr1-64855622-G-A. GRCh37 (hg19) VCF-style: chr1-65321305-G-A.
Other names: c.1535C>T, p.Ser512Leu (NM_001320923.2, NM_001321852.2, NM_001321853.2 and 3 more transcripts); c.1532C>T, p.Ser511Leu (NM_001321857.2); short protein forms S512L, S511L.
Identifiers: ClinVar variation 1434133 (VCV001434133.8), dbSNP rs368776025, ClinGen allele CA892902.